The following is an entry in ClinVar:

NM_001113491.2(SEPTIN9):c.1699G>A (p.Glu567Lys)

Gene: SEPTIN9 (septin 9; plus strand). Cytogenetic location: 17q25.3.
Variant type: single nucleotide variant.
Coding change: c.1699G>A on transcript NM_001113491.2 (MANE Select); coding-DNA position 1699, G replaced by A.
Protein change: p.Glu567Lys; replaces glutamic acid 567 with lysine.
Molecular consequence: missense variant.
Genome position (GRCh38, 1-based): chr17:77,498,596, G>A. VCF-style: chr17-77498596-G-A. GRCh37 (hg19) VCF-style: chr17-75494678-G-A.
Other names: c.1207G>A, p.Glu403Lys (NM_001113492.2, NM_001113494.1); c.1678G>A, p.Glu560Lys (NM_001113493.2); c.946G>A, p.Glu316Lys (NM_001113495.2, NM_001113496.2, NM_001293697.2 and 1 more transcripts); c.1642G>A, p.Glu548Lys (NM_001293695.2); c.1027G>A, p.Glu343Lys (NM_001293696.2); c.1645G>A, p.Glu549Lys (NM_006640.5); short protein forms E560K, E548K, E549K, E567K, E316K, E343K, E403K.
Identifiers: ClinVar variation 892527 (VCV000892527.46), dbSNP rs201409034, ClinGen allele CA8793914.

ClinVar aggregate classification (germline): Conflicting classifications of pathogenicity. Review status: criteria provided, conflicting classifications (1 of 4 stars). 6 submissions from 6 submitters: Uncertain significance (1); Benign (1); Likely benign (4). Last evaluated 2025-10-02.

Conditions:
Inborn genetic diseases. Identifiers: MedGen C0950123, MeSH D030342.
Amyotrophic neuralgia (HNA). Also called: AMYOTROPHY, HEREDITARY NEURALGIC, WITH PREDILECTION FOR BRACHIAL PLEXUS; AMYOTROPHY, HEREDITARY NEURALGIC; Hereditary Brachial Plexus Neuropathy; Neuritis with Brachial Predilection. Identifiers: Orphanet 2901, MedGen C1834304, MONDO:0008076, OMIM 162100.

Allele frequency attached by ClinVar (database versions not stated): gnomAD exomes 0.00022 and 0.00030; ESP Exome Variant Server 0.00023; TOPMed 0.00024; gnomAD 0.00026 and 0.00029; ExAC 0.00036.
gnomAD v4.1: 362 of 1,608,686 alleles (0.023%); highest among the groups gnomAD compares: Non-Finnish European, 0.027%; 1 homozygote.

Submissions (6):

Labcorp Genetics (formerly Invitae), Labcorp
Classification: Likely benign. Last evaluated: 2025-10-02. Review status: criteria provided, single submitter. Criteria: Invitae Variant Classification Sherloc (09022015). Collection method: clinical testing. Allele origin: germline.

Laboratory of Genetics, Children's Clinical University Hospital Latvia
Classification: Likely benign. Last evaluated: 2025-02-16. Review status: criteria provided, single submitter. Criteria: ACMG Guidelines, 2015. Collection method: clinical testing. Allele origin: germline. Affected: yes.

Blueprint Genetics
Classification: Likely benign. Last evaluated: 2024-11-25. Review status: criteria provided, single submitter. Criteria: ACMG Guidelines, 2015. Collection method: clinical testing. Allele origin: germline.

Ambry Genetics
Classification: Uncertain significance for Inborn genetic diseases. Last evaluated: 2024-05-15. Review status: criteria provided, single submitter. Criteria: Ambry Variant Classification Scheme 2023. Collection method: clinical testing. Allele origin: germline.

CeGaT Center for Human Genetics Tuebingen
Classification: Likely benign. Last evaluated: 2023-09-01. Review status: criteria provided, single submitter. Criteria: CeGaT Center For Human Genetics Tuebingen Variant Classification Criteria Version 2. Collection method: clinical testing. Allele origin: germline. Affected: yes. Observed: 2 variant alleles.
Comment: SEPTIN9: BP4, BS1

Illumina Laboratory Services, Illumina
Classification: Benign for Amyotrophy, hereditary neuralgic. Last evaluated: 2018-01-13. Review status: criteria provided, single submitter. Criteria: ICSL Variant Classification Criteria 13 December 2019. Collection method: clinical testing. Allele origin: germline.
Comment: This variant was observed in the ICSL laboratory as part of a predisposition screen in an ostensibly healthy population. It had not been previously curated by ICSL or reported in the Human Gene Mutation Database (HGMD: prior to June 1st, 2018), and was therefore a candidate for classification through an automated scoring system. Utilizing variant allele frequency, disease prevalence and penetrance estimates, and inheritance mode, an automated score was calculated to assess if this variant is too frequent to cause the disease. Based on the score and internal cut-off values, a variant classified as benign is not then subjected to further curation. The score for this variant resulted in a classification of benign for this disease.